The following is an entry in ClinVar:

ClinVar aggregate classification (germline): Pathogenic/Likely pathogenic. Review status: criteria provided, multiple submitters, no conflicts (2 of 4 stars). 2 submissions from 2 submitters: Pathogenic (1); Likely pathogenic (1). Last evaluated 2024-02-02.

Conditions:
Bloom syndrome (BLM). Also called: Bloom-Torre-Machacek syndrome. Identifiers: Orphanet 125, MedGen C0005859, MONDO:0008876, OMIM 210900.

Submissions (2):

Labcorp Genetics (formerly Invitae), Labcorp
Classification: Pathogenic for Bloom syndrome. Last evaluated: 2024-02-02. Review status: criteria provided, single submitter. Criteria: Invitae Variant Classification Sherloc (09022015). Collection method: clinical testing. Allele origin: germline.
Comment: This sequence change creates a premature translational stop signal (p.Asn515Lysfs*16) in the BLM gene. It is expected to result in an absent or disrupted protein product. Loss-of-function variants in BLM are known to be pathogenic (PMID: 17407155). This variant is not present in population databases (gnomAD no frequency). This variant has not been reported in the literature in individuals affected with BLM-related conditions. For these reasons, this variant has been classified as Pathogenic.

Baylor Genetics
Classification: Likely pathogenic for Bloom syndrome. Last evaluated: 2023-11-14. Review status: criteria provided, single submitter. Criteria: ACMG Guidelines, 2015. Collection method: clinical testing. Allele origin: unknown.

Literature cited by the submitters: PubMed 17407155 (cited by Labcorp Genetics (formerly Invitae), Labcorp).

NM_000057.4(BLM):c.1545del (p.Asn515fs)

Gene: BLM (BLM RecQ like helicase; plus strand). Cytogenetic location: 15q26.1.
Variant type: Deletion.
Coding change: c.1545del on transcript NM_000057.4 (MANE Select); coding-DNA position 1545, one base deleted (T; older notation c.1545delT).
Protein change: p.Asn515fs; shifts the reading frame from asparagine 515.
Molecular consequence: frameshift variant.
Genome position (GRCh38, 1-based): chr15:90,760,918, T deleted. VCF-style (leftmost placement, unchanged base first): chr15-90760917-AT-A. GRCh37 (hg19) VCF-style: chr15-91304147-AT-A.
Other names: c.1545del, p.Asn515fs (NM_001287246.2, NM_001287247.2); c.420del, p.Asn140fs (NM_001287248.2); short protein forms N140fs, N515fs.
Identifiers: ClinVar variation 3240933 (VCV003240933.3), dbSNP rs2505426939.
Genomic context (GRCh38, chr15:90,760,917, plus strand): 5'-ATTTACAGAAGTCCTTTGTAAGTAGCAACTGGGCTGAAACACCAAGACTAGGAAAAAAAA[AT>A]GAAAGCTCTTATTTCCCAGGAAATGTTCTCACAAGCACTGCTGTGAAAGATCAGAATAAA-3'